The following is an entry in ClinVar:

ClinVar aggregate classification (germline): Likely benign. Review status: criteria provided, single submitter (1 of 4 stars). 2 submissions from 2 submitters: Likely benign (1). 1 of the submissions does not count toward it. Last evaluated 2026-01-28.

Conditions:
TRAK1-related disorder. Also called: TRAK1-related condition.

Allele frequency attached by ClinVar (database versions not stated): 1000 Genomes Project 0.00040; ExAC 0.00010; gnomAD 0.00044; gnomAD exomes 0.00005; ESP Exome Variant Server 0.00023; TOPMed 0.00049; 1000 Genomes Project 30x 0.00062.
gnomAD v4.1: 137 of 1,613,046 alleles (0.0085%); highest among the groups gnomAD compares: African/African-American, 0.18%; no homozygotes.

Submissions (2):

Labcorp Genetics (formerly Invitae), Labcorp
Classification: Likely benign. Last evaluated: 2026-01-28. Review status: criteria provided, single submitter. Criteria: Invitae Variant Classification Sherloc (09022015). Collection method: clinical testing. Allele origin: germline.

PreventionGenetics, part of Exact Sciences
Classification: Likely benign for TRAK1-related condition. Last evaluated: 2019-12-16. Review status: no assertion criteria provided. Collection method: clinical testing. Allele origin: germline. Not counted in ClinVar's aggregate classification.
Comment: This variant is classified as likely benign based on ACMG/AMP sequence variant interpretation guidelines (Richards et al. 2015 PMID: 25741868, with internal and published modifications).

NM_001042646.3(TRAK1):c.976-8G>T

Gene: TRAK1 (trafficking kinesin protein 1; plus strand). Cytogenetic location: 3p22.1.
Variant type: single nucleotide variant.
Coding change: c.976-8G>T on transcript NM_001042646.3 (MANE Select); 8 bases into the intron before coding-DNA position 976, G replaced by T.
Molecular consequence: intron variant.
Genome position (GRCh38, 1-based): chr3:42,194,796, G>T. VCF-style: chr3-42194796-G-T. GRCh37 (hg19) VCF-style: chr3-42236288-G-T.
Other names: c.664-8G>T (NM_001349245.1); c.976-8G>T (NM_001349247.2, NM_001349246.2, NM_001265608.2 and 1 more transcripts); c.754-8G>T (NM_001349249.1, NM_001349248.1, NM_001265609.2 and 1 more transcripts); c.802-8G>T (NM_001410741.1, NM_014965.5).
Identifiers: ClinVar variation 2696678 (VCV002696678.5), dbSNP rs373149810, ClinGen allele CA2333333.